The following is an entry in ClinVar:

ClinVar aggregate classification (germline): Pathogenic (1 of 4 stars; one submission).

gnomAD v4.1: 4 of 1,613,216 alleles (0.00025%); highest among the groups gnomAD compares: Non-Finnish European, 0.00025%; no homozygotes.

Submission:

Labcorp Genetics (formerly Invitae), Labcorp
Classification: Pathogenic. Last evaluated: 2023-01-07. Review status: criteria provided, single submitter. Criteria: Invitae Variant Classification Sherloc (09022015). Collection method: clinical testing. Allele origin: germline.
Comment: For these reasons, this variant has been classified as Pathogenic. This variant has not been reported in the literature in individuals affected with MYH3-related conditions. This variant is present in population databases (no rsID available, gnomAD 0.0009%). This sequence change creates a premature translational stop signal (p.Arg370*) in the MYH3 gene. It is expected to result in an absent or disrupted protein product. Loss-of-function variants in MYH3 are known to be pathogenic (PMID: 29805041, 30008475).

Literature cited by the submitters: PubMed 29805041; PubMed 30008475.

NM_002470.4(MYH3):c.1108C>T (p.Arg370Ter)

Gene: MYH3 (myosin heavy chain 3; minus strand). Cytogenetic location: 17p13.1.
Variant type: single nucleotide variant.
Coding change: c.1108C>T on transcript NM_002470.4 (MANE Select); coding-DNA position 1108, C replaced by T.
Protein change: p.Arg370Ter; replaces arginine 370 with a stop codon.
Molecular consequence: nonsense.
Genome position (GRCh38, 1-based): chr17:10,645,740, G>A on the plus strand (C>T on the coding strand, the complement: MYH3 is on the minus strand). VCF-style: chr17-10645740-G-A. GRCh37 (hg19) VCF-style: chr17-10549057-G-A.
Other names: short protein forms R370*.
Identifiers: ClinVar variation 2728932 (VCV002728932.3), dbSNP rs1215038260, ClinGen allele CA398176137.
Genomic context (GRCh38, chr17:10,645,740, plus strand): 5'-TGGTTTGCTGTCACACTGATTTTGTACCTTCTGTGCCATCCGGCTCGGCCTGCTCCTCTC[G>A]CTGCTTCTGCTTGAACTTCATGTTCCCGTAGTGCATCACGGCTCCCGTCAGCTTGTAGAG-3'